The following is an entry in ClinVar:

NM_001130438.3(SPTAN1):c.1000G>A (p.Val334Met)

Gene: SPTAN1 (spectrin alpha, non-erythrocytic 1; plus strand). Cytogenetic location: 9q34.11.
Variant type: single nucleotide variant.
Coding change: c.1000G>A on transcript NM_001130438.3 (MANE Select); coding-DNA position 1000, G replaced by A.
Protein change: p.Val334Met; replaces valine 334 with methionine.
Molecular consequence: missense variant.
Genome position (GRCh38, 1-based): chr9:128,577,421, G>A. VCF-style: chr9-128577421-G-A. GRCh37 (hg19) VCF-style: chr9-131339700-G-A.
Other names: c.1000G>A, p.Val334Met (NM_001195532.2, NM_001363759.2, NM_001363765.2 and 5 more transcripts); c.1036G>A, p.Val346Met (NM_001375312.2, NM_001375318.1); short protein forms V346M, V334M.
Identifiers: ClinVar variation 2838870 (VCV002838870.3), dbSNP rs2541053594, ClinGen allele CA375049525.

ClinVar aggregate classification (germline): Uncertain significance (1 of 4 stars; one submission).

Conditions:
Early-infantile DEE. Also called: Early infantile epileptic encephalopathy; Early infantile epileptic encephalopathy with suppression bursts; Ohtahara syndrome. Identifiers: Orphanet 1934, MedGen C0393706, MONDO:0800491.

Allele frequency attached by ClinVar (database versions not stated): gnomAD exomes below 0.00001.
gnomAD v4.1: 1 of 1,614,212 alleles (0.000062%); highest among the groups gnomAD compares: South Asian, 0.0011%; no homozygotes.

Submission:

Labcorp Genetics (formerly Invitae), Labcorp
Classification: Uncertain significance for Early-infantile DEE. Last evaluated: 2023-02-18. Review status: criteria provided, single submitter. Criteria: Invitae Variant Classification Sherloc (09022015). Collection method: clinical testing. Allele origin: germline.
Comment: This variant is not present in population databases (gnomAD no frequency). This sequence change replaces valine, which is neutral and non-polar, with methionine, which is neutral and non-polar, at codon 334 of the SPTAN1 protein (p.Val334Met). This variant has not been reported in the literature in individuals affected with SPTAN1-related conditions. Advanced modeling of protein sequence and biophysical properties (such as structural, functional, and spatial information, amino acid conservation, physicochemical variation, residue mobility, and thermodynamic stability) has been performed at Invitae for this missense variant, however the output from this modeling did not meet the statistical confidence thresholds required to predict the impact of this variant on SPTAN1 protein function. In summary, the available evidence is currently insufficient to determine the role of this variant in disease. Therefore, it has been classified as a Variant of Uncertain Significance.